The following is an entry in ClinVar:

NM_001142800.2(EYS):c.2971C>T (p.Leu991Phe)

Gene: EYS (EGF-like photoreceptor maintenance factor; minus strand). Cytogenetic location: 6q12.
Variant type: single nucleotide variant.
Coding change: c.2971C>T on transcript NM_001142800.2 (MANE Select); coding-DNA position 2971, C replaced by T.
Protein change: p.Leu991Phe; replaces leucine 991 with phenylalanine.
Molecular consequence: missense variant.
Genome position (GRCh38, 1-based): chr6:64,886,718, G>A on the plus strand (C>T on the coding strand, the complement: EYS is on the minus strand). VCF-style: chr6-64886718-G-A. GRCh37 (hg19) VCF-style: chr6-65596611-G-A.
Other names: c.2971C>T, p.Leu991Phe (NM_001292009.2); short protein forms L991F.
Identifiers: ClinVar variation 194931 (VCV000194931.36), dbSNP rs201819948, ClinGen allele CA241169.

ClinVar aggregate classification (germline): Conflicting classifications of pathogenicity. Review status: criteria provided, conflicting classifications (1 of 4 stars). 14 submissions from 13 submitters: Uncertain significance (9); Likely benign (3). 2 of the submissions do not count toward it. Last evaluated 2026-06-21.

Conditions:
EYS-related disorder. Also called: EYS-related condition.
Optic atrophy. Identifiers: MedGen C0029124, MONDO:0003608, HP:0000648.
Retinal dystrophy. Also called: Inherited retinal dystrophy. Identifiers: Orphanet 71862, MedGen C0854723, MeSH D058499, MONDO:0019118, HP:0000556.
Retinitis pigmentosa (RP). Identifiers: Orphanet 791, MedGen C0035334, MeSH D012174, MONDO:0019200, OMIM 268000. Inheritance: Autosomal dominant, autosomal recessive and X linked inheritance.
Retinitis pigmentosa 25 (RP25). Identifiers: Orphanet 791, MedGen C1864446, MONDO:0011272, OMIM 602772.

Allele frequency attached by ClinVar (database versions not stated): gnomAD 0.00023 and 0.00024; TOPMed 0.00026; gnomAD exomes 0.00037 and 0.00041; ExAC 0.00042.
gnomAD v4.1: 577 of 1,545,658 alleles (0.037%); highest among the groups gnomAD compares: Middle Eastern, 0.99%; 2 homozygotes.

Submissions (14):

PreventionGenetics, part of Exact Sciences
Classification: Uncertain significance for EYS-related condition. Last evaluated: 2026-06-21. Review status: criteria provided, single submitter. Criteria: ACMG Guidelines, 2015. Collection method: clinical testing. Allele origin: germline.
Comment: The EYS c.2971C>T variant is predicted to result in the amino acid substitution p.Leu991Phe. This variant was reported, along with a second EYS variant or in the homozygous state along with another EYS variant, in individuals with retinitis pigmentosa (Di et al. 2016. PubMed ID: 26787102; Table S4, Colombo et al. 2021. PubMed ID: 33576794). This variant was also reported in the heterozygous state in an individual with inherited retinal disease (Table S3, Mihalich et al. 2024. PubMed ID: 38927702); however, heterozygous variant in other genes were also reported for this individual. This variant is reported in 0.25% of alleles in individuals of Ashkenazi Jewish descent in gnomAD, which may be too common to be a primary cause of disease. Although we suspect that this variant may be benign, at this time, the clinical significance of this variant is uncertain due to the absence of conclusive functional and genetic evidence.

CeGaT Center for Human Genetics Tuebingen
Classification: Likely benign. Last evaluated: 2026-04-01. Review status: criteria provided, single submitter. Criteria: CeGaT Center For Human Genetics Tuebingen Variant Classification Criteria Version 2. Collection method: clinical testing. Allele origin: germline. Affected: yes. Observed: 2 variant alleles.
Comment: EYS: BP4

Labcorp Genetics (formerly Invitae), Labcorp
Classification: Likely benign. Last evaluated: 2026-01-28. Review status: criteria provided, single submitter. Criteria: Invitae Variant Classification Sherloc (09022015). Collection method: clinical testing. Allele origin: germline.

Blueprint Genetics
Classification: Likely benign. Last evaluated: 2024-11-22. Review status: criteria provided, single submitter. Criteria: ACMG Guidelines, 2015. Collection method: clinical testing. Allele origin: germline.

Department of Pathology and Laboratory Medicine, Sinai Health System
Classification: Uncertain significance for Retinitis pigmentosa 25. Last evaluated: 2023-08-03. Review status: criteria provided, single submitter. Criteria: ACMG Guidelines, 2015. Collection method: research. Allele origin: germline.

Institute of Human Genetics, Univ. Regensburg, Univ. Regensburg
Classification: Uncertain significance for Optic atrophy. Last evaluated: 2023-01-01. Review status: criteria provided, single submitter. Criteria: ACMG Guidelines, 2015. Collection method: clinical testing. Allele origin: germline. Affected: yes.

Institute of Human Genetics, Univ. Regensburg, Univ. Regensburg
Classification: Uncertain significance for Retinal dystrophy. Last evaluated: 2023-01-01. Review status: criteria provided, single submitter. Criteria: ACMG Guidelines, 2015. Collection method: clinical testing. Allele origin: germline. Affected: yes.

Women's Health and Genetics/Laboratory Corporation of America, LabCorp
Classification: Uncertain significance. Last evaluated: 2022-02-23. Review status: criteria provided, single submitter. Criteria: LabCorp Variant Classification Summary - May 2015. Collection method: clinical testing. Allele origin: germline.
Comment: Variant summary: EYS c.2971C>T (p.Leu991Phe) results in a non-conservative amino acid change located in the EGF-like calcium-binding domain of the encoded protein sequence. Three of four in-silico tools predict a benign effect of the variant on protein function. The variant allele was found at a frequency of 0.00041 in 152446 control chromosomes. This frequency is not significantly higher than expected for a pathogenic variant in EYS causing Retinitis Pigmentosa (0.00041 vs 0.0034), allowing no conclusion about variant significance. c.2971C>T has been reported in the literature in individuals affected with Retinitis Pigmentosa. These reports do not provide unequivocal conclusions about association of the variant with Retinitis Pigmentosa. This variant has been found to be in-cis with c.32dup/p.(Met12Aspfs*14) in one patient (Colombo_2021). Six clinical diagnostic laboratories have submitted clinical-significance assessments for this variant to ClinVar after 2014 without evidence for independent evaluation (likely benign n=1, VUS n=5). Based on the evidence outlined above, the variant was classified as uncertain significance.

Genome-Nilou Lab
Classification: Uncertain significance for Retinitis pigmentosa 25. Last evaluated: 2021-05-18. Review status: criteria provided, single submitter. Criteria: ACMG Guidelines, 2015. Collection method: clinical testing. Allele origin: germline. Affected: no.

Illumina Laboratory Services, Illumina
Classification: Uncertain significance for Retinitis pigmentosa. Last evaluated: 2018-01-12. Review status: criteria provided, single submitter. Criteria: ICSL Variant Classification Criteria 13 December 2019. Collection method: clinical testing. Allele origin: germline.

Eurofins Ntd Llc (ga)
Classification: Uncertain significance. Last evaluated: 2017-10-05. Review status: criteria provided, single submitter. Criteria: EGL Classification Definitions 2015. Collection method: clinical testing. Allele origin: germline. Observed: 5 variant alleles, 5 heterozygotes.

Clinical Genetics DNA and cytogenetics Diagnostics Lab, Erasmus MC, Erasmus Medical Center
Classification: Uncertain significance for Retinitis pigmentosa 25. Last evaluated: 2016-02-04. Review status: criteria provided, single submitter. Criteria: ACGS Guidelines, 2013. Collection method: clinical testing. Allele origin: germline. Affected: yes. Study: VKGL Data-share Consensus.

Counsyl
Classification: Uncertain significance for Retinitis pigmentosa 25. Last evaluated: 2017-05-30. Review status: no assertion criteria provided. Collection method: clinical testing. Allele origin: unknown. Not counted in ClinVar's aggregate classification.

Clinical Genetics, Academic Medical Center
Classification: Uncertain significance. Review status: no assertion criteria provided. Collection method: clinical testing. Allele origin: germline. Affected: yes. Study: VKGL Data-share Consensus. Not counted in ClinVar's aggregate classification.

Literature cited by the submitters: PubMed 26787102 (cited by 4 submitters); PubMed 33576794 (cited by Institute of Human Genetics, Univ. Regensburg, Univ. Regensburg and Women's Health and Genetics/Laboratory Corporation of America, LabCorp); PubMed 34426522 (cited by Institute of Human Genetics, Univ. Regensburg, Univ. Regensburg).